The following is an entry in ClinVar:

NM_032043.3(BRIP1):c.905T>C (p.Leu302Pro)

Gene: BRIP1 (BRCA1 interacting DNA helicase 1; minus strand). Cytogenetic location: 17q23.2.
Variant type: single nucleotide variant.
Coding change: c.905T>C on transcript NM_032043.3 (MANE Select); coding-DNA position 905, T replaced by C.
Protein change: p.Leu302Pro; replaces leucine 302 with proline.
Molecular consequence: missense variant.
Genome position (GRCh38, 1-based): chr17:61,808,480, A>G on the plus strand (T>C on the coding strand, the complement: BRIP1 is on the minus strand). VCF-style: chr17-61808480-A-G. GRCh37 (hg19) VCF-style: chr17-59885841-A-G.
Other names: short protein forms L302P.
Identifiers: ClinVar variation 1718835 (VCV001718835.6), dbSNP rs2145410989, ClinGen allele CA400484661.

ClinVar aggregate classification (germline): Uncertain significance. Review status: criteria provided, multiple submitters, no conflicts (2 of 4 stars). 4 submissions from 4 submitters: Uncertain significance (4). Last evaluated 2024-07-12.

Conditions:
Familial cancer of breast. Also called: BREAST CANCER, FAMILIAL; Hereditary breast cancer; hereditary breast carcinoma. Identifiers: Orphanet 227535, MedGen C0346153, MONDO:0016419, OMIM 114480. Disease mechanism: loss of function.
Fanconi anemia complementation group J. Also called: BRIP1-Related Fanconi Anemia. Identifiers: Orphanet 84, MedGen C1836860, MONDO:0012187, OMIM 609054.
Hereditary cancer-predisposing syndrome. Also called: Hereditary neoplastic syndrome; Tumor predisposition; Neoplastic Syndromes, Hereditary; Hereditary Cancer Syndrome. Identifiers: Orphanet 140162, MedGen C0027672, MeSH D009386, MONDO:0015356.

Allele frequency attached by ClinVar (database versions not stated): gnomAD exomes below 0.00001.
gnomAD v4.1: 1 of 1,613,466 alleles (0.000062%); highest among the groups gnomAD compares: East Asian, 0.0022%; no homozygotes.

Submissions (4):

GeneDx
Classification: Uncertain significance. Last evaluated: 2024-07-12. Review status: criteria provided, single submitter. Criteria: GeneDx Variant Classification Process June 2021. Collection method: clinical testing. Allele origin: germline. Affected: yes.
Comment: Not observed at significant frequency in large population cohorts (gnomAD); In silico analysis supports that this missense variant has a deleterious effect on protein structure/function; Has not been previously published as pathogenic or benign to our knowledge

Color Diagnostics, LLC DBA Color Health
Classification: Uncertain significance for Hereditary cancer-predisposing syndrome. Last evaluated: 2024-03-07. Review status: criteria provided, single submitter. Criteria: ACMG Guidelines, 2015. Collection method: clinical testing. Allele origin: germline.
Comment: This missense variant replaces leucine with proline at codon 302 of the BRIP1 protein. Computational prediction suggests that this variant may have deleterious impact on protein structure and function (internally defined REVEL score threshold >= 0.7, PMID: 27666373). To our knowledge, functional studies have not been reported for this variant. This variant has not been reported in individuals affected with hereditary cancer in the literature. This variant has not been identified in the general population by the Genome Aggregation Database (gnomAD). The available evidence is insufficient to determine the role of this variant in disease conclusively. Therefore, this variant is classified as a Variant of Uncertain Significance.

Ambry Genetics
Classification: Uncertain significance for Hereditary cancer-predisposing syndrome. Last evaluated: 2024-02-28. Review status: criteria provided, single submitter. Criteria: Ambry Variant Classification Scheme 2023. Collection method: clinical testing. Allele origin: germline.
Comment: The p.L302P variant (also known as c.905T>C), located in coding exon 6 of the BRIP1 gene, results from a T to C substitution at nucleotide position 905. The leucine at codon 302 is replaced by proline, an amino acid with similar properties. This amino acid position is conserved. In addition, the in silico prediction for this alteration is inconclusive. Based on the available evidence, the clinical significance of this alteration remains unclear.

Labcorp Genetics (formerly Invitae), Labcorp
Classification: Uncertain significance for Familial cancer of breast; Fanconi anemia complementation group J. Last evaluated: 2022-09-04. Review status: criteria provided, single submitter. Criteria: Invitae Variant Classification Sherloc (09022015). Collection method: clinical testing. Allele origin: germline.
Comment: This sequence change replaces leucine, which is neutral and non-polar, with proline, which is neutral and non-polar, at codon 302 of the BRIP1 protein (p.Leu302Pro). This variant is not present in population databases (gnomAD no frequency). This variant has not been reported in the literature in individuals affected with BRIP1-related conditions. Algorithms developed to predict the effect of missense changes on protein structure and function are either unavailable or do not agree on the potential impact of this missense change (SIFT: "Deleterious"; PolyPhen-2: "Probably Damaging"; Align-GVGD: "Class C0"). In summary, the available evidence is currently insufficient to determine the role of this variant in disease. Therefore, it has been classified as a Variant of Uncertain Significance.